The following is an entry in ClinVar:

ClinVar aggregate classification (germline): Uncertain significance. Review status: criteria provided, multiple submitters, no conflicts (2 of 4 stars). 2 submissions from 2 submitters: Uncertain significance (2). Last evaluated 2025-08-19.

Conditions:
Inborn genetic diseases. Identifiers: MedGen C0950123, MeSH D030342.
Fanconi anemia complementation group G. Also called: FANCG-Related Fanconi Anemia; Fanconi anemia group G. Identifiers: Orphanet 84, MedGen C3469527, MONDO:0013565, OMIM 614082.

Submissions (2):

Ambry Genetics
Classification: Uncertain significance for Inborn genetic diseases. Last evaluated: 2025-08-19. Review status: criteria provided, single submitter. Criteria: Ambry Variant Classification Scheme 2023. Collection method: clinical testing. Allele origin: germline.
Comment: The p.S603C variant (also known as c.1808C>G), located in coding exon 14 of the FANCG gene, results from a C to G substitution at nucleotide position 1808. The serine at codon 603 is replaced by cysteine, an amino acid with dissimilar properties. This amino acid position is conserved. In addition, this alteration is predicted to be tolerated by in silico analysis. Based on the available evidence, the clinical significance of this variant remains unclear.

Fulgent Genetics
Classification: Uncertain significance for Fanconi anemia complementation group G. Last evaluated: 2024-05-23. Review status: criteria provided, single submitter. Criteria: ACMG Guidelines, 2015. Collection method: clinical testing. Allele origin: germline.

NM_004629.2(FANCG):c.1808C>G (p.Ser603Cys)

Gene: FANCG (FA complementation group G; minus strand). Cytogenetic location: 9p13.3.
Variant type: single nucleotide variant.
Coding change: c.1808C>G on transcript NM_004629.2 (MANE Select); coding-DNA position 1808, C replaced by G.
Protein change: p.Ser603Cys; replaces serine 603 with cysteine.
Molecular consequence: missense variant.
Genome position (GRCh38, 1-based): chr9:35,074,169, G>C on the plus strand (C>G on the coding strand, the complement: FANCG is on the minus strand). VCF-style: chr9-35074169-G-C. GRCh37 (hg19) VCF-style: chr9-35074166-G-C.
Other names: short protein forms S603C.
Identifiers: ClinVar variation 3597264 (VCV003597264.2).